The following is an entry in ClinVar:

ClinVar aggregate classification (germline): Uncertain significance (1 of 4 stars; one submission).

Conditions:
Hereditary cancer-predisposing syndrome. Also called: Neoplastic Syndromes, Hereditary; Tumor predisposition; Hereditary neoplastic syndrome; Hereditary Cancer Syndrome. Identifiers: Orphanet 140162, MedGen C0027672, MeSH D009386, MONDO:0015356.

Submission:

Ambry Genetics
Classification: Uncertain significance for Hereditary cancer-predisposing syndrome. Last evaluated: 2023-12-15. Review status: criteria provided, single submitter. Criteria: Ambry Variant Classification Scheme 2023. Collection method: clinical testing. Allele origin: germline.
Comment: The p.L1381P variant (also known as c.4142T>C), located in coding exon 21 of the DICER1 gene, results from a T to C substitution at nucleotide position 4142. The leucine at codon 1381 is replaced by proline, an amino acid with similar properties. This amino acid position is conserved. In addition, this alteration is predicted to be deleterious by in silico analysis. Since supporting evidence is limited at this time, the clinical significance of this alteration remains unclear.

NM_177438.3(DICER1):c.4142T>C (p.Leu1381Pro)

Gene: DICER1 (dicer 1, ribonuclease III; minus strand). Cytogenetic location: 14q32.13.
Variant type: single nucleotide variant.
Coding change: c.4142T>C on transcript NM_177438.3 (MANE Select); coding-DNA position 4142, T replaced by C.
Protein change: p.Leu1381Pro; replaces leucine 1381 with proline.
Molecular consequence: missense variant. On other transcripts: non-coding transcript variant (6).
Genome position (GRCh38, 1-based): chr14:95,099,844, A>G on the plus strand (T>C on the coding strand, the complement: DICER1 is on the minus strand). VCF-style: chr14-95099844-A-G. GRCh37 (hg19) VCF-style: chr14-95566181-A-G.
Other names: c.4142T>C, p.Leu1381Pro (NM_001195573.1, NM_001271282.3, NM_001291628.2 and 13 more transcripts); c.3860T>C, p.Leu1287Pro (NM_001395686.1); c.3737T>C, p.Leu1246Pro (NM_001395687.1, NM_001395688.1, NM_001395689.1 and 2 more transcripts); c.3575T>C, p.Leu1192Pro (NM_001395691.1); c.2459T>C, p.Leu820Pro (NM_001395697.1); short protein forms L1192P, L1246P, L1287P, L1381P, L820P.
Identifiers: ClinVar variation 3229401 (VCV003229401.1), dbSNP rs2542600161, ClinGen allele CA390871953.
Genomic context (GRCh38, chr14:95,099,844, plus strand): 5'-TCATCTTTTTCCCATTTATCTGTGTTGCTTTTGTCTTGATTTACTACATAACCAGGAGGA[A>G]GCCAATTCACAGGGGGATCAAATATTGACACCACCATGCGGCTGGGTAGTCCCTTCTTTT-3'
Protein context (NP_803187.1, residues 1371-1391): VSIFDPPVNW[Leu1381Pro]PPGYVVNQDK